The following is an entry in ClinVar:

NM_006859.4(LIAS):c.329G>T (p.Arg110Leu)

Gene: LIAS (lipoic acid synthetase; plus strand). Cytogenetic location: 4p14.
Variant type: single nucleotide variant.
Coding change: c.329G>T on transcript NM_006859.4 (MANE Select); coding-DNA position 329, G replaced by T.
Protein change: p.Arg110Leu; replaces arginine 110 with leucine.
Molecular consequence: missense variant.
Genome position (GRCh38, 1-based): chr4:39,463,541, G>T. VCF-style: chr4-39463541-G-T. GRCh37 (hg19) VCF-style: chr4-39465161-G-T.
Other names: c.329G>T, p.Arg110Leu (NM_001278590.2, NM_001278591.2, NM_194451.3); c.235G>T, p.Asp79Tyr (NM_001278592.2, NM_001363700.2); c.329G>T (NM_006859.2); short protein forms R110L, D79Y.
Identifiers: ClinVar variation 1490797 (VCV001490797.7), dbSNP rs773238728, ClinGen allele CA356664185.

ClinVar aggregate classification (germline): Uncertain significance. Review status: criteria provided, multiple submitters, no conflicts (2 of 4 stars). 2 submissions from 2 submitters: Uncertain significance (2). Last evaluated 2025-09-04.

Conditions:
Lipoic acid synthetase deficiency. Also called: HYPERGLYCINEMIA, LACTIC ACIDOSIS, AND SEIZURES. Identifiers: Orphanet 401859, MedGen C3280887, MONDO:0013762, OMIM 614462.
Inborn genetic diseases. Identifiers: MedGen C0950123, MeSH D030342.

gnomAD v4.1: 1 of 1,608,388 alleles (0.000062%); highest among the groups gnomAD compares: Non-Finnish European, 0.000085%; no homozygotes.

Submissions (2):

Ambry Genetics
Classification: Uncertain significance for Inborn genetic diseases. Last evaluated: 2025-09-04. Review status: criteria provided, single submitter. Criteria: Ambry Variant Classification Scheme 2023. Collection method: clinical testing. Allele origin: germline.

Labcorp Genetics (formerly Invitae), Labcorp
Classification: Uncertain significance for Lipoic acid synthetase deficiency. Last evaluated: 2022-01-15. Review status: criteria provided, single submitter. Criteria: Invitae Variant Classification Sherloc (09022015). Collection method: clinical testing. Allele origin: germline.
Comment: This sequence change replaces arginine, which is basic and polar, with leucine, which is neutral and non-polar, at codon 110 of the LIAS protein (p.Arg110Leu). This variant is not present in population databases (gnomAD no frequency). This variant has not been reported in the literature in individuals affected with LIAS-related conditions. Algorithms developed to predict the effect of missense changes on protein structure and function are either unavailable or do not agree on the potential impact of this missense change (SIFT: "Deleterious"; PolyPhen-2: "Benign"; Align-GVGD: "Class C65"). In summary, the available evidence is currently insufficient to determine the role of this variant in disease. Therefore, it has been classified as a Variant of Uncertain Significance.